The following is an entry in ClinVar:

NM_014000.3(VCL):c.1888G>A (p.Ala630Thr)

Gene: VCL (vinculin; plus strand). Cytogenetic location: 10q22.2.
Variant type: single nucleotide variant.
Coding change: c.1888G>A on transcript NM_014000.3 (MANE Select); coding-DNA position 1888, G replaced by A.
Protein change: p.Ala630Thr; replaces alanine 630 with threonine.
Molecular consequence: missense variant.
Genome position (GRCh38, 1-based): chr10:74,100,963, G>A. VCF-style: chr10-74100963-G-A. GRCh37 (hg19) VCF-style: chr10-75860721-G-A.
Other names: c.1888G>A, p.Ala630Thr (NM_003373.4); short protein forms A630T.
Identifiers: ClinVar variation 166548 (VCV000166548.11), dbSNP rs727503739, ClinGen allele CA179608.

ClinVar aggregate classification (germline): Uncertain significance. Review status: criteria provided, multiple submitters, no conflicts (2 of 4 stars). 4 submissions from 4 submitters: Uncertain significance (4). Last evaluated 2026-04-27.

Conditions:
Cardiovascular phenotype. Identifiers: MedGen CN230736.
Cardiomyopathy (CMYO). Also called: Cardiomyopathies. Identifiers: Orphanet 167848, MedGen C0878544, MONDO:0004994, HP:0001638. Inheritance: Various modes of inheritance.
Dilated cardiomyopathy 1W (CMD1W). Identifiers: Orphanet 154, MedGen C1969639, MONDO:0012667, OMIM 611407.

Allele frequency attached by ClinVar (database versions not stated): gnomAD exomes below 0.00001; TOPMed below 0.00001; ExAC 0.00001.
gnomAD v4.1: 1 of 1,613,988 alleles (0.000062%); highest among the groups gnomAD compares: Non-Finnish European, 0.000085%; no homozygotes.

Submissions (4):

Ambry Genetics
Classification: Uncertain significance for Cardiovascular phenotype. Last evaluated: 2026-04-27. Review status: criteria provided, single submitter. Criteria: Ambry Variant Classification Scheme 2023. Collection method: clinical testing. Allele origin: germline.
Comment: The p.A630T variant (also known as c.1888G>A), located in coding exon 14 of the VCL gene, results from a G to A substitution at nucleotide position 1888. The alanine at codon 630 is replaced by threonine, an amino acid with similar properties. This amino acid position is conserved. In addition, the in silico prediction for this alteration is inconclusive. Based on the available evidence, the clinical significance of this variant remains unclear.

Labcorp Genetics (formerly Invitae), Labcorp
Classification: Uncertain significance for Dilated cardiomyopathy 1W. Last evaluated: 2021-09-01. Review status: criteria provided, single submitter. Criteria: Invitae Variant Classification Sherloc (09022015). Collection method: clinical testing. Allele origin: germline.

CHEO Genetics Diagnostic Laboratory, Children's Hospital of Eastern Ontario
Classification: Uncertain significance for Cardiomyopathy. Last evaluated: 2021-02-03. Review status: criteria provided, single submitter. Criteria: ACMG Guidelines, 2015. Collection method: clinical testing. Allele origin: germline.

Laboratory for Molecular Medicine, Mass General Brigham Personalized Medicine
Classification: Uncertain significance. Last evaluated: 2014-06-05. Review status: criteria provided, single submitter. Criteria: LMM Criteria. Collection method: clinical testing. Allele origin: germline. Observed: 2 variant alleles.
Comment: It was absent from large population studies. Computational pred iction tools and conservation analysis do not provide strong support for or agai nst an impact to the protein. In summary, the clinical significance of the Ala63 0Thr variant is uncertain.